The following is an entry in ClinVar:

ClinVar aggregate classification (germline): Uncertain significance. Review status: criteria provided, multiple submitters, no conflicts (2 of 4 stars). 2 submissions from 2 submitters: Uncertain significance (2). Last evaluated 2026-04-16.

Conditions:
Inborn genetic diseases. Identifiers: MedGen C0950123, MeSH D030342.

Allele frequency attached by ClinVar (database versions not stated): TOPMed 0.00002; 1000 Genomes Project 0.00020; 1000 Genomes Project 30x 0.00031; ExAC 0.00002.
gnomAD v4.1: 6 of 1,613,690 alleles (0.00037%); highest among the groups gnomAD compares: East Asian, 0.013%; no homozygotes.

Submissions (2):

GeneDx
Classification: Uncertain significance. Last evaluated: 2026-04-16. Review status: criteria provided, single submitter. Criteria: GeneDx Variant Classification Process June 2021. Collection method: clinical testing. Allele origin: germline.
Comment: In silico analysis supports that this missense variant has a deleterious effect on protein structure/function; Has not been previously published as pathogenic or benign to our knowledge

Ambry Genetics
Classification: Uncertain significance for Inborn genetic diseases. Last evaluated: 2023-09-21. Review status: criteria provided, single submitter. Criteria: Ambry Variant Classification Scheme 2023. Collection method: clinical testing. Allele origin: germline.

NM_005002.5(NDUFA9):c.630G>C (p.Glu210Asp)

Gene: NDUFA9 (NADH:ubiquinone oxidoreductase subunit A9; plus strand). Cytogenetic location: 12p13.32.
Variant type: single nucleotide variant.
Coding change: c.630G>C on transcript NM_005002.5 (MANE Select); coding-DNA position 630, G replaced by C.
Protein change: p.Glu210Asp; replaces glutamic acid 210 with aspartic acid.
Molecular consequence: missense variant.
Genome position (GRCh38, 1-based): chr12:4,662,610, G>C. VCF-style: chr12-4662610-G-C. GRCh37 (hg19) VCF-style: chr12-4771776-G-C.
Other names: short protein forms E210D.
Identifiers: ClinVar variation 3187260 (VCV003187260.2), dbSNP rs185126760, ClinGen allele CA6398159.